The following is an entry in ClinVar:

ClinVar aggregate classification (germline): Uncertain significance. Review status: criteria provided, multiple submitters, no conflicts (2 of 4 stars). 3 submissions from 3 submitters: Uncertain significance (3). Last evaluated 2026-05-14.

Submissions (3):

Ambry Genetics
Classification: Uncertain significance. Last evaluated: 2026-05-14. Review status: criteria provided, single submitter. Criteria: Ambry Variant Classification Scheme 2023. Collection method: clinical testing. Allele origin: germline.
Comment: The p.I89T variant (also known as c.266T>C), located in coding exon 4 of the RPS20 gene, results from a T to C substitution at nucleotide position 266. The isoleucine at codon 89 is replaced by threonine, an amino acid with similar properties. This amino acid position is conserved. In addition, this alteration is predicted to be deleterious by in silico analysis. Based on the available evidence, the clinical significance of this variant remains unclear.

Center for Genomic Medicine, Rigshospitalet, Copenhagen University Hospital
Classification: Uncertain significance. Last evaluated: 2025-03-04. Review status: criteria provided, single submitter. Criteria: ACMG Guidelines, 2015. Collection method: clinical testing. Allele origin: germline.

Labcorp Genetics (formerly Invitae), Labcorp
Classification: Uncertain significance. Last evaluated: 2024-10-26. Review status: criteria provided, single submitter. Criteria: Invitae Variant Classification Sherloc (09022015). Collection method: clinical testing. Allele origin: germline.
Comment: This sequence change replaces isoleucine, which is neutral and non-polar, with threonine, which is neutral and polar, at codon 89 of the RPS20 protein (p.Ile89Thr). This variant is not present in population databases (gnomAD no frequency). This variant has not been reported in the literature in individuals affected with RPS20-related conditions. ClinVar contains an entry for this variant (Variation ID: 2576441). An algorithm developed to predict the effect of missense changes on protein structure and function (PolyPhen-2) suggests that this variant is likely to be disruptive. In summary, the available evidence is currently insufficient to determine the role of this variant in disease. Therefore, it has been classified as a Variant of Uncertain Significance.

NM_001023.4(RPS20):c.266T>C (p.Ile89Thr)

Gene: RPS20 (ribosomal protein S20; minus strand). Cytogenetic location: 8q12.1.
Variant type: single nucleotide variant.
Coding change: c.266T>C on transcript NM_001023.4 (MANE Select); coding-DNA position 266, T replaced by C.
Protein change: p.Ile89Thr; replaces isoleucine 89 with threonine.
Molecular consequence: missense variant.
Genome position (GRCh38, 1-based): chr8:56,073,184, A>G on the plus strand (T>C on the coding strand, the complement: RPS20 is on the minus strand). VCF-style: chr8-56073184-A-G. GRCh37 (hg19) VCF-style: chr8-56985743-A-G.
Other names: c.266T>C (NM_001023.3); c.266T>C, p.Ile89Thr (NM_001146227.3); short protein forms I89T.
Identifiers: ClinVar variation 2576441 (VCV002576441.5), dbSNP rs2486981900, ClinGen allele CA371282889.